The following is an entry in ClinVar:

ClinVar aggregate classification (germline): Uncertain significance. Review status: criteria provided, multiple submitters, no conflicts (2 of 4 stars). 2 submissions from 2 submitters: Uncertain significance (2). Last evaluated 2024-09-17.

Submissions (2):

GeneDx
Classification: Uncertain significance. Last evaluated: 2024-09-17. Review status: criteria provided, single submitter. Criteria: GeneDx Variant Classification Process June 2021. Collection method: clinical testing. Allele origin: germline. Affected: yes.
Comment: Not observed at significant frequency in large population cohorts (gnomAD); In silico analysis supports that this missense variant has a deleterious effect on protein structure/function; Has not been previously published as pathogenic or benign to our knowledge

Labcorp Genetics (formerly Invitae), Labcorp
Classification: Uncertain significance. Last evaluated: 2023-03-17. Review status: criteria provided, single submitter. Criteria: Invitae Variant Classification Sherloc (09022015). Collection method: clinical testing. Allele origin: germline.
Comment: An algorithm developed to predict the effect of missense changes on protein structure and function (PolyPhen-2) suggests that this variant is likely to be disruptive. This variant has not been reported in the literature in individuals affected with PPP2R5D-related conditions. This variant is not present in population databases (gnomAD no frequency). This sequence change replaces arginine, which is basic and polar, with methionine, which is neutral and non-polar, at codon 278 of the PPP2R5D protein (p.Arg278Met). In summary, the available evidence is currently insufficient to determine the role of this variant in disease. Therefore, it has been classified as a Variant of Uncertain Significance.

NM_006245.4(PPP2R5D):c.833G>T (p.Arg278Met)

Gene: PPP2R5D (protein phosphatase 2 regulatory subunit B'delta; plus strand). Cytogenetic location: 6p21.1.
Variant type: single nucleotide variant.
Coding change: c.833G>T on transcript NM_006245.4 (MANE Select); coding-DNA position 833, G replaced by T.
Protein change: p.Arg278Met; replaces arginine 278 with methionine.
Molecular consequence: missense variant.
Genome position (GRCh38, 1-based): chr6:43,008,041, G>T. VCF-style: chr6-43008041-G-T. GRCh37 (hg19) VCF-style: chr6-42975779-G-T.
Other names: c.380G>T, p.Arg127Met (NM_001270476.2); c.737G>T, p.Arg246Met (NM_180976.3); c.833G>T (NM_006245.3); c.515G>T, p.Arg172Met (NM_180977.3); short protein forms R246M, R278M, R127M, R172M.
Identifiers: ClinVar variation 2846687 (VCV002846687.4), dbSNP rs2532479436, ClinGen allele CA364190055.